The following is an entry in ClinVar:

NM_001999.4(FBN2):c.1780A>C (p.Thr594Pro)

Gene: FBN2 (fibrillin 2; minus strand). Cytogenetic location: 5q23.3.
Variant type: single nucleotide variant.
Coding change: c.1780A>C on transcript NM_001999.4 (MANE Select); coding-DNA position 1780, A replaced by C.
Protein change: p.Thr594Pro; replaces threonine 594 with proline.
Molecular consequence: missense variant.
Genome position (GRCh38, 1-based): chr5:128,377,821, T>G on the plus strand (A>C on the coding strand, the complement: FBN2 is on the minus strand). VCF-style: chr5-128377821-T-G. GRCh37 (hg19) VCF-style: chr5-127713514-T-G.
Other names: short protein forms T594P.
Identifiers: ClinVar variation 1313565 (VCV001313565.3), dbSNP rs1554064868, ClinGen allele CA360742553.

ClinVar aggregate classification (germline): Uncertain significance. Review status: criteria provided, multiple submitters, no conflicts (2 of 4 stars). 2 submissions from 2 submitters: Uncertain significance (2). Last evaluated 2025-06-09.

Conditions:
Familial thoracic aortic aneurysm and aortic dissection (TAAD). Also called: Thoracic aortic aneurysms and dissections. Identifiers: Orphanet 91387, MedGen C4707243, MONDO:0019625.

Submissions (2):

Ambry Genetics
Classification: Uncertain significance for Familial thoracic aortic aneurysm and aortic dissection. Last evaluated: 2025-06-09. Review status: criteria provided, single submitter. Criteria: Ambry Variant Classification Scheme 2023. Collection method: clinical testing. Allele origin: germline.
Comment: The p.T594P variant (also known as c.1780A>C), located in coding exon 13 of the FBN2 gene, results from an A to C substitution at nucleotide position 1780. The threonine at codon 594 is replaced by proline, an amino acid with highly similar properties. This amino acid position is highly conserved in available vertebrate species. In addition, this alteration is predicted to be deleterious by in silico analysis. Based on the available evidence, the clinical significance of this variant remains unclear.

GeneDx
Classification: Uncertain significance. Last evaluated: 2020-10-20. Review status: criteria provided, single submitter. Criteria: GeneDx Variant Classification Process June 2021. Collection method: clinical testing. Allele origin: germline. Affected: yes.
Comment: Has not been previously published as pathogenic or benign to our knowledge; Not observed in large population cohorts (Lek et al., 2016); In silico analysis supports that this missense variant has a deleterious effect on protein structure/function; Although located in a calcium-binding EGF-like domain of the FBN2 gene, it does not affect a cysteine residue within this domain; cysteine substitutions in the calcium-binding EGF-like domains represent the majority of pathogenic missense changes associated with FBN2-related disorders (Frederic et al., 2009)